The following is an entry in ClinVar:

ClinVar aggregate classification (germline): Uncertain significance. Review status: criteria provided, multiple submitters, no conflicts (2 of 4 stars). 2 submissions from 2 submitters: Uncertain significance (2). Last evaluated 2026-04-28.

Conditions:
Autism spectrum disorder due to AUTS2 deficiency (MRD26). Also called: INTELLECTUAL DEVELOPMENTAL DISORDER, AUTOSOMAL DOMINANT 26. Identifiers: Orphanet 352490, MedGen C4014435, MONDO:0014361, OMIM 615834.

Allele frequency attached by ClinVar (database versions not stated): gnomAD exomes 0.00001.
gnomAD v4.1: 3 of 1,577,364 alleles (0.00019%); highest among the groups gnomAD compares: Non-Finnish European, 0.00026%; no homozygotes.

Submissions (2):

Women's Health and Genetics/Laboratory Corporation of America, LabCorp
Classification: Uncertain significance. Last evaluated: 2026-04-28. Review status: criteria provided, single submitter. Criteria: LabCorp Variant Classification Summary - May 2015. Collection method: clinical testing. Allele origin: germline.
Comment: Variant summary: AUTS2 c.2867G>A (p.Ser956Asn) results in a conservative amino acid change in the encoded protein sequence. Algorithms developed to predict the effect of missense changes on protein structure and function are either unavailable or do not agree on the potential impact of this missense change. The frequency data for this variant in gnomAD is considered unreliable, as metrics indicate poor data quality at this position. To our knowledge, no occurrence of c.2867G>A in individuals affected with AUTS2-related conditions and no experimental evidence demonstrating its impact on protein function have been reported. ClinVar contains an entry for this variant (Variation ID: 1992384). Based on the evidence outlined above, the variant was classified as uncertain significance.

MVZ Martinsried, Medicover Genetics
Classification: Uncertain significance for Autism spectrum disorder due to AUTS2 deficiency. Last evaluated: 2022-02-18. Review status: criteria provided, single submitter. Criteria: ACGS Guidelines, 2020. Collection method: clinical testing. Allele origin: inherited. Affected: yes.

NM_015570.4(AUTS2):c.2867G>A (p.Ser956Asn)

Gene: AUTS2 (activator of transcription and developmental regulator AUTS2; plus strand). Cytogenetic location: 7q11.22.
Variant type: single nucleotide variant.
Coding change: c.2867G>A on transcript NM_015570.4 (MANE Select); coding-DNA position 2867, G replaced by A.
Protein change: p.Ser956Asn; replaces serine 956 with asparagine.
Molecular consequence: missense variant.
Genome position (GRCh38, 1-based): chr7:70,790,083, G>A. VCF-style: chr7-70790083-G-A. GRCh37 (hg19) VCF-style: chr7-70255069-G-A.
Other names: c.2795G>A, p.Ser932Asn (NM_001127231.3); short protein forms S956N, S932N.
Identifiers: ClinVar variation 1992384 (VCV001992384.2), dbSNP rs1409537915, ClinGen allele CA367664993.